The following is an entry in ClinVar:

NM_014444.5(TUBGCP4):c.1196C>A (p.Ser399Ter)

Gene: TUBGCP4 (tubulin gamma complex component 4; plus strand). Cytogenetic location: 15q15.3.
Variant type: single nucleotide variant.
Coding change: c.1196C>A on transcript NM_014444.5 (MANE Select); coding-DNA position 1196, C replaced by A.
Protein change: p.Ser399Ter; replaces serine 399 with a stop codon.
Molecular consequence: nonsense.
Genome position (GRCh38, 1-based): chr15:43,397,238, C>A. VCF-style: chr15-43397238-C-A. GRCh37 (hg19) VCF-style: chr15-43689436-C-A.
Other names: c.1196C>A, p.Ser399Ter (NM_001286414.3); short protein forms S399*.
Identifiers: ClinVar variation 2090185 (VCV002090185.4), dbSNP rs2543067973, ClinGen allele CA392131619.
Genomic context (GRCh38, chr15:43,397,238, plus strand): 5'-AAGCGTCCCTGTCAGCCTGCGTGTTCTTTCTTGCAGATGTGAATGTGGCCTTTCAACAGT[C>A]AGCACACAAGGTATTGCTAGATGATGACAACCTTCTCCCTCTGTTGCACTTGACAATCGA-3'

ClinVar aggregate classification (germline): Pathogenic (1 of 4 stars; one submission).

Submission:

Labcorp Genetics (formerly Invitae), Labcorp
Classification: Pathogenic. Last evaluated: 2022-07-19. Review status: criteria provided, single submitter. Criteria: Invitae Variant Classification Sherloc (09022015). Collection method: clinical testing. Allele origin: germline.
Comment: Algorithms developed to predict the effect of sequence changes on RNA splicing suggest that this variant may disrupt the consensus splice site. This variant has not been reported in the literature in individuals affected with TUBGCP4-related conditions. This variant is not present in population databases (gnomAD no frequency). This sequence change creates a premature translational stop signal (p.Ser399*) in the TUBGCP4 gene. It is expected to result in an absent or disrupted protein product. Loss-of-function variants in TUBGCP4 are known to be pathogenic (PMID: 25817018). For these reasons, this variant has been classified as Pathogenic.

Literature cited by the submitters: PubMed 25817018.